The following is an entry in ClinVar:

Conditions:
Long QT syndrome 5 (LQT5). Identifiers: Orphanet 101016, Orphanet 768, MedGen C1867904, MONDO:0013372, OMIM 613695.

gnomAD v4.1: 2 of 1,592,494 alleles (0.00013%); highest among the groups gnomAD compares: South Asian, 0.0022%; no homozygotes.

Submission:

Roden Lab, Vanderbilt University Medical Center
No classification provided (evidence only). Condition: Long QT syndrome 5. Review status: no classification provided. Collection method: in vitro. Allele origin: not applicable. Functional consequence: Effect on ion channel function.
ClinVar note: "not provided" was previously submitted as the classification for the variant. However, the classification appeared to be based only on an observation of functional data so it was converted to no classification on 2025-07-30.

NM_000219.6(KCNE1):c.289G>T (p.Ala97Ser)

Gene: KCNE1 (potassium voltage-gated channel subfamily E regulatory subunit 1; minus strand). Cytogenetic location: 21q22.12.
Variant type: single nucleotide variant.
Coding change: c.289G>T on transcript NM_000219.6 (MANE Select); coding-DNA position 289, G replaced by T.
Protein change: p.Ala97Ser; replaces alanine 97 with serine.
Molecular consequence: missense variant.
Genome position (GRCh38, 1-based): chr21:34,449,346, C>A on the plus strand (G>T on the coding strand, the complement: KCNE1 is on the minus strand). VCF-style: chr21-34449346-C-A. GRCh37 (hg19) VCF-style: chr21-35821644-C-A.
Other names: c.289G>T, p.Ala97Ser (NM_001127668.4, NM_001127669.4, NM_001127670.4 and 4 more transcripts); short protein forms A97S.
Identifiers: ClinVar variation 3374546 (VCV003374546.2).